The following is an entry in ClinVar:

NM_001114134.2(EPB42):c.581G>A (p.Arg194His)

Gene: EPB42 (erythrocyte membrane protein band 4.2; minus strand). Cytogenetic location: 15q15.2.
Variant type: single nucleotide variant.
Coding change: c.581G>A on transcript NM_001114134.2 (MANE Select); coding-DNA position 581, G replaced by A.
Protein change: p.Arg194His; replaces arginine 194 with histidine.
Molecular consequence: missense variant.
Genome position (GRCh38, 1-based): chr15:43,210,408, C>T on the plus strand (G>A on the coding strand, the complement: EPB42 is on the minus strand). VCF-style: chr15-43210408-C-T. GRCh37 (hg19) VCF-style: chr15-43502606-C-T.
Other names: c.671G>A, p.Arg224His (NM_000119.3); short protein forms R224H, R194H.
Identifiers: ClinVar variation 618628 (VCV000618628.20), dbSNP rs146348439, ClinGen allele CA7520576.
Genomic context (GRCh38, chr15:43,210,408, plus strand): 5'-ACACGGGCCACGTGCACCGGCTGGCTCCACTTCTCTACCTGCTTGTCCTTGCTCAGCAAG[C>T]GCAGGCTGAGGTCAATGACATCCCCCTCGAACTGTTAAGGATCACACAGGGCCATGATGA-3'
Protein context (NP_001107606.1, residues 184-204): FEGDVIDLSL[Arg194His]LLSKDKQVEK

ClinVar aggregate classification (germline): Conflicting classifications of pathogenicity. Review status: criteria provided, conflicting classifications (1 of 4 stars). 4 submissions from 4 submitters: Uncertain significance (3); Likely benign (1). Last evaluated 2025-09-10.

Conditions:
Hereditary spherocytosis type 5. Also called: EPB42-Related Spherocytosis; EPB42-Related Hereditary Spherocytosis. Identifiers: Orphanet 822, MedGen C2675192, MONDO:0012985, OMIM 612690.

Allele frequency attached by ClinVar (database versions not stated): gnomAD exomes 0.00007 and 0.00015; ExAC 0.00017; gnomAD 0.00044 and 0.00048; TOPMed 0.00057; ESP Exome Variant Server 0.00092; 1000 Genomes Project 30x 0.00094; 1000 Genomes Project 0.00100.
gnomAD v4.1: 185 of 1,613,850 alleles (0.011%); highest among the groups gnomAD compares: African/African-American, 0.16%; 1 homozygote.

Submissions (4):

Mayo Clinic Laboratories, Mayo Clinic
Classification: Uncertain significance. Last evaluated: 2025-09-10. Review status: criteria provided, single submitter. Criteria: ACMG Guidelines, 2015. Collection method: clinical testing. Allele origin: germline. Observed: 4 variant alleles.
Comment: BP4

Labcorp Genetics (formerly Invitae), Labcorp
Classification: Likely benign. Last evaluated: 2025-07-24. Review status: criteria provided, single submitter. Criteria: Invitae Variant Classification Sherloc (09022015). Collection method: clinical testing. Allele origin: germline.

Revvity Omics, Revvity
Classification: Uncertain significance for Hereditary spherocytosis type 5. Last evaluated: 2025-01-23. Review status: criteria provided, single submitter. Criteria: ACMG Guidelines, 2015. Collection method: clinical testing. Allele origin: germline.

ARUP Laboratories, Molecular Genetics and Genomics, ARUP Laboratories
Classification: Uncertain significance. Last evaluated: 2018-06-11. Review status: criteria provided, single submitter. Criteria: ARUP Molecular Germline Variant Investigation Process. Collection method: clinical testing. Allele origin: germline.